The following is an entry in ClinVar:

ClinVar aggregate classification (germline): Likely benign (0 of 4 stars; one submission).

Conditions:
STT3B-related disorder. Also called: STT3B-related condition.

Allele frequency attached by ClinVar (database versions not stated): ExAC 0.00002.

Submission:

PreventionGenetics, part of Exact Sciences
Classification: Likely benign for STT3B-related condition. Last evaluated: 2019-07-12. Review status: no assertion criteria provided. Collection method: clinical testing. Allele origin: germline.
Comment: This variant is classified as likely benign based on ACMG/AMP sequence variant interpretation guidelines (Richards et al. 2015 PMID: 25741868, with internal and published modifications).

NM_178862.3(STT3B):c.-7G>C

Genes: STT3B (STT3 oligosaccharyltransferase complex catalytic subunit B; plus strand), LOC129936407 (ATAC-STARR-seq lymphoblastoid silent region 14161; plus strand). Cytogenetic location: 3p23.
Variant type: single nucleotide variant.
Coding change: c.-7G>C on transcript NM_178862.3 (MANE Select); 7 bases upstream of the start codon, G replaced by C.
Molecular consequence: 5 prime UTR variant.
Genome position (GRCh38, 1-based): chr3:31,532,992, G>C. VCF-style: chr3-31532992-G-C. GRCh37 (hg19) VCF-style: chr3-31574484-G-C.
Identifiers: ClinVar variation 3049939 (VCV003049939.2), dbSNP rs775786202, ClinGen allele CA2294841.
Genomic context (GRCh38, chr3:31,532,992, plus strand): 5'-CCCAGCACCCCTCGCACCAGGCGGCGGCGGCGGAGGAGGAGAGCTAGACCCGCCGCCGGG[G>C]CACAACATGGCGGAGCCCTCGGCCCCGGAGAGCAAGCACAAGTCGTCCCTCAACTCGTCC-3'